The following is an entry in ClinVar:

ClinVar aggregate classification (germline): Pathogenic. Review status: criteria provided, multiple submitters, no conflicts (2 of 4 stars). 3 submissions from 3 submitters: Pathogenic (3). Last evaluated 2025-08-06.

Conditions:
Autosomal recessive osteopetrosis 1. Also called: TCIRG1-Related Autosomal Recessive Osteopetrosis; ALBERS-SCHONBERG DISEASE, AUTOSOMAL RECESSIVE; TCIRG1-Related Osteopetrosis. Identifiers: Orphanet 667, MedGen C1850127, MONDO:0009815, OMIM 259700.

Submissions (3):

GeneDx
Classification: Pathogenic. Last evaluated: 2025-08-06. Review status: criteria provided, single submitter. Criteria: GeneDx Variant Classification Process June 2021. Collection method: clinical testing. Allele origin: germline. Affected: yes.
Comment: Identified in a patient with osteopetrosis in published literature (PMID: 29723947); Frameshift variant predicted to result in protein truncation or nonsense mediated decay in a gene for which loss of function is a known mechanism of disease; This variant is associated with the following publications: (PMID: 29723947)

Labcorp Genetics (formerly Invitae), Labcorp
Classification: Pathogenic. Last evaluated: 2025-06-23. Review status: criteria provided, single submitter. Criteria: Invitae Variant Classification Sherloc (09022015). Collection method: clinical testing. Allele origin: germline.
Comment: This sequence change creates a premature translational stop signal (p.Phe459Leufs*79) in the TCIRG1 gene. It is expected to result in an absent or disrupted protein product. Loss-of-function variants in TCIRG1 are known to be pathogenic (PMID: 10888887, 10942435, 11532986, 19448635). This variant is present in population databases (rs747511049, gnomAD 0.009%). This premature translational stop signal has been observed in individual(s) with clinical features of osteopetrosis (PMID: 29723947). ClinVar contains an entry for this variant (Variation ID: 1458624). For these reasons, this variant has been classified as Pathogenic.

Baylor Genetics
Classification: Pathogenic for Autosomal recessive osteopetrosis 1. Last evaluated: 2023-07-15. Review status: criteria provided, single submitter. Criteria: ACMG Guidelines, 2015. Collection method: clinical testing. Allele origin: unknown.

Literature cited by the submitters: PubMed 10888887 (cited by Labcorp Genetics (formerly Invitae), Labcorp); PubMed 10942435 (cited by Labcorp Genetics (formerly Invitae), Labcorp); PubMed 11532986 (cited by Labcorp Genetics (formerly Invitae), Labcorp); PubMed 19448635 (cited by Labcorp Genetics (formerly Invitae), Labcorp); PubMed 29723947 (cited by Labcorp Genetics (formerly Invitae), Labcorp).

NM_006019.4(TCIRG1):c.1348_1376dup (p.Phe459fs)

Gene: TCIRG1 (T cell immune regulator 1, ATPase H+ transporting V0 subunit a3; plus strand). Cytogenetic location: 11q13.2.
Variant type: Duplication.
Coding change: c.1348_1376dup on transcript NM_006019.4 (MANE Select); coding-DNA positions 1348 to 1376, 29 bases duplicated (ATGGGCCTGTTCTCCATCTACACCGGCTT).
Protein change: p.Phe459fs; shifts the reading frame from phenylalanine 459.
Molecular consequence: frameshift variant.
Genome position (GRCh38, 1-based): chr11:68,047,689-68,047,717, ATGGGCCTGTTCTCCATCTACACCGGCTT duplicated; duplicating any 29 consecutive bases within chr11:68,047,685-68,047,717 gives the same sequence; the c. name uses the placement nearest the transcript's 3' end. VCF-style (leftmost placement, unchanged base first): chr11-68047684-T-TGCTTATGGGCCTGTTCTCCATCTACACCG. GRCh37 (hg19) VCF-style: chr11-67815151-T-TGCTTATGGGCCTGTTCTCCATCTACACCG.
Other names: c.454_482dup, p.Phe161fs (NM_001351059.2); c.700_728dup, p.Phe243fs (NM_006053.4); c.1348_1376dup (NM_006019.3); short protein forms F161fs, F459fs, F243fs.
Identifiers: ClinVar variation 1458624 (VCV001458624.9), dbSNP rs747511049, ClinGen allele CA6147082.